The following is an entry in ClinVar:

ClinVar aggregate classification (germline): Uncertain significance (1 of 4 stars; one submission).

Conditions:
CELSR1-related disorder. Also called: CELSR1-related condition.

gnomAD v4.1: 11 of 1,604,364 alleles (0.00069%); highest among the groups gnomAD compares: African/African-American, 0.0067%; no homozygotes.

Submission:

PreventionGenetics, part of Exact Sciences
Classification: Uncertain significance for CELSR1-related condition. Last evaluated: 2025-08-27. Review status: criteria provided, single submitter. Criteria: ACMG Guidelines, 2015. Collection method: clinical testing. Allele origin: germline.
Comment: The CELSR1 c.8059G>A variant is predicted to result in the amino acid substitution p.Ala2687Thr. To our knowledge, this variant has not been reported in the literature. This variant is reported in 0.013% of alleles in individuals of African descent in gnomAD. Although we suspect that this variant may be benign, at this time, the clinical significance of this variant is uncertain due to the absence of conclusive functional and genetic evidence.

NM_001378328.1(CELSR1):c.8059G>A (p.Ala2687Thr)

Gene: CELSR1 (cadherin EGF LAG seven-pass G-type receptor 1; minus strand). Cytogenetic location: 22q13.31.
Variant type: single nucleotide variant.
Coding change: c.8059G>A on transcript NM_001378328.1 (MANE Select); coding-DNA position 8059, G replaced by A.
Protein change: p.Ala2687Thr; replaces alanine 2687 with threonine.
Molecular consequence: missense variant.
Genome position (GRCh38, 1-based): chr22:46,367,749, C>T on the plus strand (G>A on the coding strand, the complement: CELSR1 is on the minus strand). VCF-style: chr22-46367749-C-T. GRCh37 (hg19) VCF-style: chr22-46763646-C-T.
Other names: c.8059G>A, p.Ala2687Thr (NM_014246.4); short protein forms A2687T.
Identifiers: ClinVar variation 4981525 (VCV004981525.1).